The following is an entry in ClinVar:

NM_001105206.3(LAMA4):c.2144C>T (p.Ala715Val)

Gene: LAMA4 (laminin subunit alpha 4; minus strand). Cytogenetic location: 6q21.
Variant type: single nucleotide variant.
Coding change: c.2144C>T on transcript NM_001105206.3 (MANE Select); coding-DNA position 2144, C replaced by T.
Protein change: p.Ala715Val; replaces alanine 715 with valine.
Molecular consequence: missense variant.
Genome position (GRCh38, 1-based): chr6:112,150,540, G>A on the plus strand (C>T on the coding strand, the complement: LAMA4 is on the minus strand). VCF-style: chr6-112150540-G-A. GRCh37 (hg19) VCF-style: chr6-112471742-G-A.
Other names: c.2123C>T, p.Ala708Val (NM_001105207.3, NM_002290.5); short protein forms A715V, A708V.
Identifiers: ClinVar variation 3654531 (VCV003654531.2).

ClinVar aggregate classification (germline): Uncertain significance (1 of 4 stars; one submission).

Conditions:
Dilated cardiomyopathy 1JJ (CMD1JJ). Identifiers: Orphanet 154, MedGen C3808935, MONDO:0014095, OMIM 615235.

Submission:

Labcorp Genetics (formerly Invitae), Labcorp
Classification: Uncertain significance for Dilated cardiomyopathy 1JJ. Last evaluated: 2024-05-25. Review status: criteria provided, single submitter. Criteria: Invitae Variant Classification Sherloc (09022015). Collection method: clinical testing. Allele origin: germline.
Comment: This sequence change replaces alanine, which is neutral and non-polar, with valine, which is neutral and non-polar, at codon 708 of the LAMA4 protein (p.Ala708Val). This variant is not present in population databases (gnomAD no frequency). This variant has not been reported in the literature in individuals affected with LAMA4-related conditions. An algorithm developed to predict the effect of missense changes on protein structure and function (PolyPhen-2) suggests that this variant is likely to be tolerated. In summary, the available evidence is currently insufficient to determine the role of this variant in disease. Therefore, it has been classified as a Variant of Uncertain Significance.